The following is an entry in ClinVar:

NM_206933.4(USH2A):c.10189A>G (p.Lys3397Glu)

Gene: USH2A (usherin; minus strand). Cytogenetic location: 1q41.
Variant type: single nucleotide variant.
Coding change: c.10189A>G on transcript NM_206933.4 (MANE Select); coding-DNA position 10189, A replaced by G.
Protein change: p.Lys3397Glu; replaces lysine 3397 with glutamic acid.
Molecular consequence: missense variant.
Genome position (GRCh38, 1-based): chr1:215,786,868, T>C on the plus strand (A>G on the coding strand, the complement: USH2A is on the minus strand). VCF-style: chr1-215786868-T-C. GRCh37 (hg19) VCF-style: chr1-215960210-T-C.
Other names: short protein forms K3397E.
Identifiers: ClinVar variation 849903 (VCV000849903.4), dbSNP rs777959748, ClinGen allele CA1394102.

ClinVar aggregate classification (germline): Uncertain significance. Review status: criteria provided, single submitter (1 of 4 stars). 2 submissions from 2 submitters: Uncertain significance (1). 1 of the submissions does not count toward it. Last evaluated 2022-10-25.

Conditions:
Usher syndrome type 2A. Also called: RETINAL DISEASE IN USHER SYNDROME TYPE IIA, MODIFIER OF; USHER SYNDROME, TYPE IIA. Identifiers: Orphanet 231178, Orphanet 886, MedGen C1848634, MONDO:0010169, OMIM 276901.

Allele frequency attached by ClinVar (database versions not stated): gnomAD exomes below 0.00001 and 0.00002; ExAC 0.00001; TOPMed 0.00001; gnomAD 0.00003.
gnomAD v4.1: 13 of 1,613,726 alleles (0.00081%); highest among the groups gnomAD compares: African/African-American, 0.0013%; no homozygotes.

Submissions (2):

Labcorp Genetics (formerly Invitae), Labcorp
Classification: Uncertain significance. Last evaluated: 2022-10-25. Review status: criteria provided, single submitter. Criteria: Invitae Variant Classification Sherloc (09022015). Collection method: clinical testing. Allele origin: germline.
Comment: This sequence change replaces lysine, which is basic and polar, with glutamic acid, which is acidic and polar, at codon 3397 of the USH2A protein (p.Lys3397Glu). This variant is present in population databases (rs777959748, gnomAD 0.002%). This variant has not been reported in the literature in individuals affected with USH2A-related conditions. ClinVar contains an entry for this variant (Variation ID: 849903). Advanced modeling of protein sequence and biophysical properties (such as structural, functional, and spatial information, amino acid conservation, physicochemical variation, residue mobility, and thermodynamic stability) performed at Invitae indicates that this missense variant is not expected to disrupt USH2A protein function. In summary, the available evidence is currently insufficient to determine the role of this variant in disease. Therefore, it has been classified as a Variant of Uncertain Significance.

Natera, Inc.
Classification: Uncertain significance for Usher syndrome type 2A. Last evaluated: 2020-03-24. Review status: no assertion criteria provided. Collection method: clinical testing. Allele origin: germline. Not counted in ClinVar's aggregate classification.